The following is an entry in ClinVar:

NM_015981.4(CAMK2A):c.271C>T (p.Leu91=)

Gene: CAMK2A (calcium/calmodulin dependent protein kinase II alpha; minus strand). Cytogenetic location: 5q32.
Variant type: single nucleotide variant.
Coding change: c.271C>T on transcript NM_015981.4 (MANE Select); coding-DNA position 271, C replaced by T.
Protein change: p.Leu91=; no amino-acid change (leucine 91 retained).
Molecular consequence: synonymous variant.
Genome position (GRCh38, 1-based): chr5:150,257,564, G>A on the plus strand (C>T on the coding strand, the complement: CAMK2A is on the minus strand). VCF-style: chr5-150257564-G-A. GRCh37 (hg19) VCF-style: chr5-149637127-G-A.
Other names: c.271C>T, p.Leu91= (NM_001363989.1, NM_001363990.1, NM_001369025.2 and 1 more transcripts).
Identifiers: ClinVar variation 1805031 (VCV001805031.1), dbSNP rs1293279565, ClinGen allele CA447152602.

ClinVar aggregate classification (germline): Uncertain significance (1 of 4 stars; one submission).

Conditions:
Intellectual developmental disorder, autosomal dominant 53. Also called: MENTAL RETARDATION, AUTOSOMAL DOMINANT 53; Intellectual disability, autosomal dominant 53. Identifiers: MedGen C4540481, MONDO:0030919, OMIM 617798.

Allele frequency attached by ClinVar (database versions not stated): gnomAD exomes below 0.00001; gnomAD 0.00001; TOPMed 0.00001.
gnomAD v4.1: 3 of 1,566,844 alleles (0.00019%); highest among the groups gnomAD compares: Non-Finnish European, 0.00026%; no homozygotes.

Submission:

Victorian Clinical Genetics Services, Murdoch Childrens Research Institute
Classification: Uncertain significance for Intellectual developmental disorder, autosomal dominant 53. Last evaluated: 2021-05-06. Review status: criteria provided, single submitter. Criteria: ACMG Guidelines, 2015. Collection method: clinical testing. Allele origin: germline. Inheritance: Autosomal dominant inheritance.
Comment: Based on the classification scheme VCGS_Germline_v1.3.4, this variant is classified as VUS-3B. Following criteria are met: 0103 - Dominant negative, loss of function and gain of function are known mechanisms of disease in this gene and are associated with CAMK2A-related intellectual disability. Missense variants have been demonstrate to either impair or enhance autophosphorylation, or result in reduced protein expression (PMID: 29784083, PMID: 29560374, PMID: 28130356). (I) 0107 - This gene is associated with autosomal dominant disease. However, an isolated example of a family with autosomal recessive CAMK2A-related intellectual disability has been reported (PMID: 29784083). (I) 0212 - Non-canonical splice site variant without proven consequence on splicing (no functional evidence available). (SP) 0251 - This variant is heterozygous. (I) 0302 - Variant is present in gnomAD (v2, v3) <0.001 for a dominant condition (1 heterozygote, 0 homozygotes). (SP) 0505 - Affected nucleotide is highly conserved but in silico tools predictions of abnormal splicing are inconclusive. (SP) 0705 - No comparable splice variants have previous evidence for pathogenicity. (I) 0807 - This variant has no previous evidence of pathogenicity. (I) 0905 - No published segregation evidence has been identified for this variant. (I) 1007 - No published functional evidence has been identified for this variant. (I) 1208 - Inheritance information for this variant is not currently available in this individual. (I) Legend: (SP) - Supporting pathogenic, (I) - Information, (SB) - Supporting benign

Literature cited by the submitters: PubMed 28130356; PubMed 29560374; PubMed 29784083.